The following is an entry in ClinVar:

ClinVar aggregate classification (germline): Uncertain significance (1 of 4 stars; one submission).

Conditions:
Corpus callosum, agenesis of. Also called: Isolated corpus callosum agenesis; Corpus callosum agenesis; Mental retardation hypoplastic corpus callosum preauricular tag; Da silva syndrome; Agenesis of the corpus callosum. Identifiers: Orphanet 200, MedGen C0175754, MONDO:0009022, OMIM 217990, HP:0001274.

Submission:

Laboratory of Cytogenetics, Molecular Genetics and Reproductive Biology, Farhat Hached University Hospital
Classification: Uncertain significance for corpus callosum agenesis. Last evaluated: 2025-12-12. Review status: criteria provided, single submitter. Criteria: ACMG/ClinGen CNV Guidelines, 2019. Collection method: clinical testing. Allele origin: unknown. Affected: yes.
Comment: Current evidence is insufficient to determine its clinical significance; therefore, the variant was classified as a Variant of Uncertain Significance (VUS). The copy number variant was evaluated using ACMG/ClinGen CNV guidelines (PMID:31690835)

GRCh37/hg19 20q11.1-11.21(chr20:29352138-29501594)x3

Gene: DEFB118 (defensin beta 118; plus strand). Cytogenetic location: 20q11.1-11.21.
Variant type: copy number gain.
Change: copy number 3 (three copies instead of two) of chr20:29,352,138-29,501,594 (149.5 kb, GRCh37 coordinates, 1-based), cytogenetic band 20q11.1-11.21.
Identifiers: ClinVar variation 4850966 (VCV004850966.1).